The following is an entry in ClinVar:

NM_007294.4(BRCA1):c.5460C>A (p.Gly1820=)

Gene: BRCA1 (BRCA1 DNA repair associated; minus strand). Cytogenetic location: 17q21.31.
Variant type: single nucleotide variant.
Coding change: c.5460C>A on transcript NM_007294.4 (MANE Select); coding-DNA position 5460, C replaced by A.
Protein change: p.Gly1820=; no amino-acid change (glycine 1820 retained).
Molecular consequence: synonymous variant. On other transcripts: missense variant (17).
Genome position (GRCh38, 1-based): chr17:43,047,650, G>T on the plus strand (C>A on the coding strand, the complement: BRCA1 is on the minus strand). VCF-style: chr17-43047650-G-T. GRCh37 (hg19) VCF-style: chr17-41199667-G-T.
Other names: c.5196C>A, p.Gly1732= (NM_001407924.1, NM_001407925.1, NM_001407926.1 and 4 more transcripts); c.5193C>A, p.Gly1731= (NM_001407927.1, NM_001407928.1, NM_001407929.1 and 4 more transcripts); c.5190C>A, p.Gly1730= (NM_001407934.1, NM_001407935.1, NM_001407936.1); c.5263C>A, p.Leu1755Ile (NM_001407937.1, NM_001407938.1); c.5260C>A, p.Leu1754Ile (NM_001407939.1, NM_001407940.1); c.5257C>A, p.Leu1753Ile (NM_001407941.1); c.5245C>A, p.Leu1749Ile (NM_001407942.1); c.5242C>A, p.Leu1748Ile (NM_001407943.1, NM_001407944.1, NM_001407945.1); and 83 more; short protein forms L692I, L1748I, L1795I, L1796I, L1753I, L1754I, L1755I, L1749I.
Identifiers: ClinVar variation 865547 (VCV000865547.3), dbSNP rs2050978337, ClinGen allele CA10590450.

Conditions:
Breast-ovarian cancer, familial, susceptibility to, 1 (BROVCA1). Also called: BRCA1 Hereditary Breast and Ovarian Cancer; OVARIAN CANCER, SUSCEPTIBILITY TO. Identifiers: Orphanet 145, MedGen C2676676, MONDO:0011450, OMIM 604370. Disease mechanism: loss of function.

Submission:

Brotman Baty Institute, University of Washington
No classification provided (evidence only). Condition: Breast-ovarian cancer, familial 1. Review status: no classification provided. Collection method: in vitro. Allele origin: not applicable. Functional consequence: functionally_normal.
ClinVar note: "not provided" was previously submitted as the classification for the variant. However, the classification appeared to be based only on an observation of functional data so it was converted to no classification on 2025-07-30.